The following is an entry in ClinVar:

ClinVar aggregate classification (germline): Uncertain significance (1 of 4 stars; one submission).

Submission:

Labcorp Genetics (formerly Invitae), Labcorp
Classification: Uncertain significance. Last evaluated: 2020-10-16. Review status: criteria provided, single submitter. Criteria: Invitae Variant Classification Sherloc (09022015). Collection method: clinical testing. Allele origin: germline.
Comment: This variant is not present in population databases (ExAC no frequency). This sequence change replaces aspartic acid with valine at codon 158 of the VAV1 protein (p.Asp158Val). The aspartic acid residue is moderately conserved and there is a large physicochemical difference between aspartic acid and valine. This variant has not been reported in the literature in individuals with VAV1-related conditions. Algorithms developed to predict the effect of missense changes on protein structure and function are either unavailable or do not agree on the potential impact of this missense change (SIFT: "Deleterious"; PolyPhen-2: "Probably Damaging"; Align-GVGD: "Class C0"). In summary, the available evidence is currently insufficient to determine the role of this variant in disease. Therefore, it has been classified as a Variant of Uncertain Significance.

NM_005428.4(VAV1):c.473A>T (p.Asp158Val)

Gene: VAV1 (vav guanine nucleotide exchange factor 1; plus strand). Cytogenetic location: 19p13.3.
Variant type: single nucleotide variant.
Coding change: c.473A>T on transcript NM_005428.4 (MANE Select); coding-DNA position 473, A replaced by T.
Protein change: p.Asp158Val; replaces aspartic acid 158 with valine.
Molecular consequence: missense variant.
Genome position (GRCh38, 1-based): chr19:6,822,244, A>T. VCF-style: chr19-6822244-A-T. GRCh37 (hg19) VCF-style: chr19-6822255-A-T.
Other names: c.473A>T, p.Asp158Val (NM_001258206.2, NM_001258207.2); short protein forms D158V.
Identifiers: ClinVar variation 1005114 (VCV001005114.8), dbSNP rs1971809726, ClinGen allele CA403615614.